The following is an entry in ClinVar:

NM_004006.3(DMD):c.1173C>T (p.Ala391=)

Gene: DMD (dystrophin; minus strand). Cytogenetic location: Xp21.1.
Variant type: single nucleotide variant.
Coding change: c.1173C>T on transcript NM_004006.3 (MANE Select); coding-DNA position 1173, C replaced by T.
Protein change: p.Ala391=; no amino-acid change (alanine 391 retained).
Molecular consequence: synonymous variant.
Genome position (GRCh38, 1-based): chrX:32,644,290, G>A on the plus strand (C>T on the coding strand, the complement: DMD is on the minus strand). VCF-style: chrX-32644290-G-A. GRCh37 (hg19) VCF-style: chrX-32662407-G-A.
Other names: c.1149C>T, p.Ala383= (NM_000109.4); c.1161C>T, p.Ala387= (NM_004009.3); c.804C>T, p.Ala268= (NM_004010.3).
Identifiers: ClinVar variation 387234 (VCV000387234.14), dbSNP rs1057522737, ClinGen allele CA16608847.
Genomic context (GRCh38, chrX:32,644,290, plus strand): 5'-TTTTCCTGTTCCAATCAGCTTACTTCCCAATTGTAGAATATTACCAACCCGGCCCTGATG[G>A]GCTGTCAAATCCATCATGTACCCCTGACAAAGAAGGAAGTTAACAATTGTAATTAGAACT-3'
Protein context (NP_003997.2, residues 381-401): THEGYMMDLT[Ala391=]HQGRVGNILQ

ClinVar aggregate classification (germline): Likely benign. Review status: criteria provided, multiple submitters, no conflicts (2 of 4 stars). 5 submissions from 5 submitters: Likely benign (4). 1 of the submissions does not count toward it. Last evaluated 2025-10-02.

Conditions:
Dystrophin deficiency.
Duchenne muscular dystrophy (DMD). Also called: MUSCULAR DYSTROPHY, PSEUDOHYPERTROPHIC PROGRESSIVE, DUCHENNE TYPE; Duchenne Muscular Dystrophy (DMD). Identifiers: Orphanet 98896, MedGen C0013264, MONDO:0010679, OMIM 310200.
Becker muscular dystrophy (BMD). Also called: Becker Muscular Dystrophy (BMD); MUSCULAR DYSTROPHY, PSEUDOHYPERTROPHIC PROGRESSIVE, BECKER TYPE. Identifiers: Orphanet 98895, MedGen C0917713, MONDO:0010311, OMIM 300376.
Cardiomyopathy (CMYO). Also called: Cardiomyopathies. Identifiers: Orphanet 167848, MedGen C0878544, MONDO:0004994, HP:0001638. Inheritance: Various modes of inheritance.
Cardiovascular phenotype. Identifiers: MedGen CN230736.

Allele frequency attached by ClinVar (database versions not stated): TOPMed 0.00003; gnomAD exomes 0.00004; gnomAD 0.00006.
gnomAD v4.1: 52 of 1,208,681 alleles (0.0043%); highest among the groups gnomAD compares: Non-Finnish European, 0.0056%; no homozygotes.

Submissions (5):

Labcorp Genetics (formerly Invitae), Labcorp
Classification: Likely benign for Duchenne muscular dystrophy. Last evaluated: 2025-10-02. Review status: criteria provided, single submitter. Criteria: Invitae Variant Classification Sherloc (09022015). Collection method: clinical testing. Allele origin: germline.

Blueprint Genetics
Classification: Likely benign. Last evaluated: 2024-09-09. Review status: criteria provided, single submitter. Criteria: ACMG Guidelines, 2015. Collection method: clinical testing. Allele origin: germline.

Ambry Genetics
Classification: Likely benign for Cardiovascular phenotype. Last evaluated: 2022-05-30. Review status: criteria provided, single submitter. Criteria: Ambry Variant Classification Scheme 2023. Collection method: clinical testing. Allele origin: germline.

GeneDx
Classification: Likely benign. Last evaluated: 2017-10-31. Review status: criteria provided, single submitter. Criteria: GeneDx Variant Classification (06012015). Collection method: clinical testing. Allele origin: germline. Affected: yes.
Comment: This variant is considered likely benign or benign based on one or more of the following criteria: it is a conservative change, it occurs at a poorly conserved position in the protein, it is predicted to be benign by multiple in silico algorithms, and/or has population frequency not consistent with disease.

Natera, Inc.
Classification: Likely benign for Becker muscular dystrophy; Cardiomyopathy; Duchenne muscular dystrophy; Dystrophin deficiency. Last evaluated: 2018-04-19. Review status: no assertion criteria provided. Collection method: clinical testing. Allele origin: germline. Not counted in ClinVar's aggregate classification.